The following is an entry in ClinVar:

ClinVar aggregate classification (germline): Likely benign. Review status: criteria provided, single submitter (1 of 4 stars). 2 submissions from 2 submitters: Likely benign (1). 1 of the submissions does not count toward it. Last evaluated 2025-07-16.

Conditions:
SLC2A2-related disorder. Also called: SLC2A2-related condition.
Fanconi-Bickel syndrome (FBS). Also called: FANCONI SYNDROME WITH INTESTINAL MALABSORPTION AND GALACTOSE INTOLERANCE; HEPATIC GLYCOGENOSIS WITH AMINO ACIDURIA AND GLUCOSURIA; HEPATIC GLYCOGENOSIS WITH FANCONI NEPHROPATHY; HEPATORENAL GLYCOGENOSIS WITH RENAL FANCONI SYNDROME; PSEUDO-PHLORIZIN DIABETES; Glycogen storage disease due to GLUT2 deficiency. Identifiers: Orphanet 2088, MedGen C3495427, MONDO:0009216, OMIM 227810.

Allele frequency attached by ClinVar (database versions not stated): ExAC 0.00014; ESP Exome Variant Server 0.00015; 1000 Genomes Project 30x 0.00047; 1000 Genomes Project 0.00060.
gnomAD v4.1: 143 of 1,613,662 alleles (0.0089%); highest among the groups gnomAD compares: African/African-American, 0.14%; no homozygotes.

Submissions (2):

Labcorp Genetics (formerly Invitae), Labcorp
Classification: Likely benign for Fanconi-Bickel syndrome. Last evaluated: 2025-07-16. Review status: criteria provided, single submitter. Criteria: Invitae Variant Classification Sherloc (09022015). Collection method: clinical testing. Allele origin: germline.

PreventionGenetics, part of Exact Sciences
Classification: Likely benign for SLC2A2-related condition. Last evaluated: 2019-07-10. Review status: no assertion criteria provided. Collection method: clinical testing. Allele origin: germline. Not counted in ClinVar's aggregate classification.
Comment: This variant is classified as likely benign based on ACMG/AMP sequence variant interpretation guidelines (Richards et al. 2015 PMID: 25741868, with internal and published modifications).

NM_000340.2(SLC2A2):c.1506G>A (p.Lys502=)

Gene: SLC2A2 (solute carrier family 2 member 2; minus strand). Cytogenetic location: 3q26.2.
Variant type: single nucleotide variant.
Coding change: c.1506G>A on transcript NM_000340.2 (MANE Select); coding-DNA position 1506, G replaced by A.
Protein change: p.Lys502=; no amino-acid change (lysine 502 retained).
Molecular consequence: synonymous variant.
Genome position (GRCh38, 1-based): chr3:170,997,972, C>T on the plus strand (G>A on the coding strand, the complement: SLC2A2 is on the minus strand). VCF-style: chr3-170997972-C-T. GRCh37 (hg19) VCF-style: chr3-170715761-C-T.
Other names: c.1506G>A (NM_000340.1); c.1149G>A, p.Lys383= (NM_001278658.2); c.987G>A, p.Lys329= (NM_001278659.2).
Identifiers: ClinVar variation 2045779 (VCV002045779.6), dbSNP rs5399, ClinGen allele CA2702386.